The following is an entry in ClinVar:

ClinVar aggregate classification (germline): Likely benign (1 of 4 stars; one submission).

Submission:

CeGaT Center for Human Genetics Tuebingen
Classification: Likely benign. Last evaluated: 2025-05-01. Review status: criteria provided, single submitter. Criteria: CeGaT Center For Human Genetics Tuebingen Variant Classification Criteria Version 2. Collection method: clinical testing. Allele origin: germline. Affected: yes. Observed: 1 variant allele.
Comment: HYDIN: PM2:Supporting, BP4, BP7

NM_001270974.2(HYDIN):c.11161C>T (p.Leu3721=)

Gene: HYDIN (HYDIN axonemal central pair apparatus protein; minus strand). Cytogenetic location: 16q22.2.
Variant type: single nucleotide variant.
Coding change: c.11161C>T on transcript NM_001270974.2 (MANE Select); coding-DNA position 11161, C replaced by T.
Protein change: p.Leu3721=; no amino-acid change (leucine 3721 retained).
Molecular consequence: synonymous variant.
Genome position (GRCh38, 1-based): chr16:70,868,719, G>A on the plus strand (C>T on the coding strand, the complement: HYDIN is on the minus strand). VCF-style: chr16-70868719-G-A. GRCh37 (hg19) VCF-style: chr16-70902622-G-A.
Identifiers: ClinVar variation 3905445 (VCV003905445.10).